The following is an entry in ClinVar:

NM_000039.3(APOA1):c.36C>G (p.Phe12Leu)

Genes: APOA1 (apolipoprotein A1; minus strand), APOA1-AS (APOA1 antisense RNA; plus strand). Cytogenetic location: 11q23.3.
Variant type: single nucleotide variant.
Coding change: c.36C>G on transcript NM_000039.3 (MANE Select); coding-DNA position 36, C replaced by G.
Protein change: p.Phe12Leu; replaces phenylalanine 12 with leucine.
Molecular consequence: missense variant. On other transcripts: 5 prime UTR variant (3).
Genome position (GRCh38, 1-based): chr11:116,837,352, G>C on the plus strand (C>G on the coding strand, the complement: APOA1 is on the minus strand). VCF-style: chr11-116837352-G-C. GRCh37 (hg19) VCF-style: chr11-116708068-G-C.
Other names: c.36C>G, p.Phe12Leu (NM_001318017.2, NM_001318018.2, NM_001425090.1 and 1 more transcripts); c.-248C>G (NM_001318021.2); c.-135C>G (NM_001425091.1); c.-284C>G (NM_001425092.1); short protein forms F12L.
Identifiers: ClinVar variation 4780435 (VCV004780435.1).

ClinVar aggregate classification (germline): Uncertain significance (1 of 4 stars; one submission).

Submission:

Labcorp Genetics (formerly Invitae), Labcorp
Classification: Uncertain significance. Last evaluated: 2025-09-28. Review status: criteria provided, single submitter. Criteria: Invitae Variant Classification Sherloc (09022015). Collection method: clinical testing. Allele origin: germline.
Comment: This sequence change replaces phenylalanine, which is neutral and non-polar, with leucine, which is neutral and non-polar, at codon 12 of the APOA1 protein (p.Phe12Leu). This variant is not present in population databases (gnomAD no frequency). This variant has not been reported in the literature in individuals affected with APOA1-related conditions. Invitae Evidence Modeling of protein sequence and biophysical properties (such as structural, functional, and spatial information, amino acid conservation, physicochemical variation, residue mobility, and thermodynamic stability) has been performed for this missense variant. However, the output from this modeling did not meet the statistical confidence thresholds required to predict the impact of this variant on APOA1 protein function. In summary, the available evidence is currently insufficient to determine the role of this variant in disease. Therefore, it has been classified as a Variant of Uncertain Significance.